The following is an entry in ClinVar:

ClinVar aggregate classification (germline): Pathogenic (1 of 4 stars; one submission).

Conditions:
Hereditary breast ovarian cancer syndrome. Also called: Hereditary breast and ovarian cancer syndrome (HBOC); Hereditary breast and ovarian cancer syndrome; Breast and ovarian cancer; BRCA1- and BRCA2-Associated Hereditary Breast and Ovarian Cancer; Hereditary breast and ovarian cancer; Hereditary breast and/or ovarian cancer syndrome. Identifiers: Orphanet 145, MedGen C0677776, MeSH D061325, MONDO:0003582. Disease mechanism: loss of function.

Submission:

Labcorp Genetics (formerly Invitae), Labcorp
Classification: Pathogenic for Hereditary breast ovarian cancer syndrome. Last evaluated: 2023-03-24. Review status: criteria provided, single submitter. Criteria: Invitae Variant Classification Sherloc (09022015). Collection method: clinical testing. Allele origin: germline.
Comment: This sequence change creates a premature translational stop signal (p.Trp3127Glyfs*36) in the BRCA2 gene. It is expected to result in an absent or disrupted protein product. Loss-of-function variants in BRCA2 are known to be pathogenic (PMID: 20104584). This variant is not present in population databases (gnomAD no frequency). This variant has not been reported in the literature in individuals affected with BRCA2-related conditions. For these reasons, this variant has been classified as Pathogenic.

Literature cited by the submitters: PubMed 20104584.

NM_000059.4(BRCA2):c.9379del (p.Trp3127fs)

Gene: BRCA2 (BRCA2 DNA repair associated; plus strand). Cytogenetic location: 13q13.1.
Variant type: Deletion.
Coding change: c.9379del on transcript NM_000059.4 (MANE Select); coding-DNA position 9379, one base deleted (T; older notation c.9379delT).
Protein change: p.Trp3127fs; shifts the reading frame from tryptophan 3127.
Molecular consequence: frameshift variant. On other transcripts: non-coding transcript variant (1).
Genome position (GRCh38, 1-based): chr13:32,394,811, T deleted. VCF-style (leftmost placement, unchanged base first): chr13-32394810-GT-G. GRCh37 (hg19) VCF-style: chr13-32968947-GT-G.
Other names: c.9283del, p.Trp3095fs (NM_001406719.1); c.9328del, p.Trp3110fs (NM_001406720.1); c.4447del, p.Trp1483fs (NM_001406721.1); c.2962del, p.Trp988fs (NM_001406722.1); short protein forms W3095fs, W3127fs, W3110fs, W988fs, W1483fs.
Identifiers: ClinVar variation 2849018 (VCV002849018.3), dbSNP rs2548562287, ClinGen allele CA2739277572.